The following is an entry in ClinVar:

ClinVar aggregate classification (germline): Uncertain significance (1 of 4 stars; one submission).

Conditions:
Huntington disease-like 1 (HDL1). Also called: HUNTINGTON-LIKE NEURODEGENERATIVE DISORDER 1; HUNTINGTON-LIKE NEURODEGENERATIVE DISORDER, AUTOSOMAL DOMINANT; PRION DISEASE, EARLY-ONSET, WITH PROMINENT PSYCHIATRIC FEATURES. Identifiers: Orphanet 157941, MedGen C1864112, MONDO:0011299, OMIM 603218.

Allele frequency attached by ClinVar (database versions not stated): gnomAD exomes below 0.00001.
gnomAD v4.1: 4 of 1,610,088 alleles (0.00025%); highest among the groups gnomAD compares: Non-Finnish European, 0.00025%; no homozygotes.

Submission:

Labcorp Genetics (formerly Invitae), Labcorp
Classification: Uncertain significance for Huntington disease-like 1. Last evaluated: 2022-11-01. Review status: criteria provided, single submitter. Criteria: Invitae Variant Classification Sherloc (09022015). Collection method: clinical testing. Allele origin: germline.
Comment: This sequence change replaces valine, which is neutral and non-polar, with alanine, which is neutral and non-polar, at codon 252 of the PRNP protein (p.Val252Ala). This variant is not present in population databases (gnomAD no frequency). This variant has not been reported in the literature in individuals affected with PRNP-related conditions. ClinVar contains an entry for this variant (Variation ID: 1474931). Advanced modeling of protein sequence and biophysical properties (such as structural, functional, and spatial information, amino acid conservation, physicochemical variation, residue mobility, and thermodynamic stability) has been performed at Invitae for this missense variant, however the output from this modeling did not meet the statistical confidence thresholds required to predict the impact of this variant on PRNP protein function. In summary, the available evidence is currently insufficient to determine the role of this variant in disease. Therefore, it has been classified as a Variant of Uncertain Significance.

NM_000311.5(PRNP):c.755T>C (p.Val252Ala)

Gene: PRNP (prion protein (Kanno blood group); plus strand). Cytogenetic location: 20p13.
Variant type: single nucleotide variant.
Coding change: c.755T>C on transcript NM_000311.5 (MANE Select); coding-DNA position 755, T replaced by C.
Protein change: p.Val252Ala; replaces valine 252 with alanine.
Molecular consequence: missense variant. On other transcripts: 3 prime UTR variant (1).
Genome position (GRCh38, 1-based): chr20:4,699,975, T>C. VCF-style: chr20-4699975-T-C. GRCh37 (hg19) VCF-style: chr20-4680621-T-C.
Other names: c.755T>C, p.Val252Ala (NM_001080121.3, NM_001080122.3, NM_001080123.3 and 1 more transcripts); c.*444T>C (NM_001271561.3); short protein forms V252A.
Identifiers: ClinVar variation 1474931 (VCV001474931.6), dbSNP rs2122231287, ClinGen allele CA408153045.